The following is an entry in ClinVar:

NM_001040108.2(MLH3):c.917A>C (p.Tyr306Ser)

Gene: MLH3 (mutL homolog 3; minus strand). Cytogenetic location: 14q24.3.
Variant type: single nucleotide variant.
Coding change: c.917A>C on transcript NM_001040108.2 (MANE Select); coding-DNA position 917, A replaced by C.
Protein change: p.Tyr306Ser; replaces tyrosine 306 with serine.
Molecular consequence: missense variant.
Genome position (GRCh38, 1-based): chr14:75,048,739, T>G on the plus strand (A>C on the coding strand, the complement: MLH3 is on the minus strand). VCF-style: chr14-75048739-T-G. GRCh37 (hg19) VCF-style: chr14-75515442-T-G.
Other names: c.917A>C, p.Tyr306Ser (NM_014381.3); short protein forms Y306S.
Identifiers: ClinVar variation 3396767 (VCV003396767.1).
Genomic context (GRCh38, chr14:75,048,739, plus strand): 5'-GTTTTGGCTGGCTCCATGCACACATCATACTCACAGAATTGGCACTGCACATTAATTACA[T>G]ATATGCCATAGAGTTCTGGGGTAGACCGGTGCCGAAGACTTGAATTCATTTGCCTACTGG-3'
Protein context (NP_001035197.1, residues 296-316): HRSTPELYGI[Tyr306Ser]VINVQCQFCE

ClinVar aggregate classification (germline): Uncertain significance (1 of 4 stars; one submission).

Submission:

Ambry Genetics
Classification: Uncertain significance. Last evaluated: 2024-11-26. Review status: criteria provided, single submitter. Criteria: Ambry Variant Classification Scheme 2023. Collection method: clinical testing. Allele origin: germline.
Comment: The p.Y306S variant (also known as c.917A>C), located in coding exon 1 of the MLH3 gene, results from an A to C substitution at nucleotide position 917. The tyrosine at codon 306 is replaced by serine, an amino acid with dissimilar properties. This amino acid position is well conserved in available vertebrate species. In addition, this alteration is predicted to be deleterious by in silico analysis. The evidence for this gene-disease relationship is limited; therefore, the clinical significance of this alteration is unclear.